The following is an entry in ClinVar:

ClinVar aggregate classification (germline): Pathogenic (1 of 4 stars; one submission).

Conditions:
Spermatogenic failure 18. Identifiers: MedGen C4539783, MONDO:0054615, OMIM 617576.
Ciliary dyskinesia, primary, 37 (CILD37). Also called: CILIARY DYSKINESIA, PRIMARY, 37, WITH OR WITHOUT SITUS INVERSUS. Identifiers: MedGen C4539798, MONDO:0033204, OMIM 617577.

gnomAD v4.1: 1 of 1,613,912 alleles (0.000062%); highest among the groups gnomAD compares: South Asian, 0.0011%; no homozygotes.

Submission:

Labcorp Genetics (formerly Invitae), Labcorp
Classification: Pathogenic for Ciliary dyskinesia, primary, 37; Spermatogenic failure 18. Last evaluated: 2025-12-25. Review status: criteria provided, single submitter. Criteria: Invitae Variant Classification Sherloc (09022015). Collection method: clinical testing. Allele origin: germline.
Comment: This sequence change creates a premature translational stop signal (p.Gln1485*) in the DNAH1 gene. It is expected to result in an absent or disrupted protein product. Loss-of-function variants in DNAH1 are known to be pathogenic (PMID: 27573432, 27798045). This variant is not present in population databases (gnomAD no frequency). This variant has not been reported in the literature in individuals affected with DNAH1-related conditions. For these reasons, this variant has been classified as Pathogenic.

Literature cited by the submitters: PubMed 27573432; PubMed 27798045.

NM_015512.5(DNAH1):c.4453C>T (p.Gln1485Ter)

Gene: DNAH1 (dynein axonemal heavy chain 1; plus strand). Cytogenetic location: 3p21.1.
Variant type: single nucleotide variant.
Coding change: c.4453C>T on transcript NM_015512.5 (MANE Select); coding-DNA position 4453, C replaced by T.
Protein change: p.Gln1485Ter; replaces glutamine 1485 with a stop codon.
Molecular consequence: nonsense.
Genome position (GRCh38, 1-based): chr3:52,359,961, C>T. VCF-style: chr3-52359961-C-T. GRCh37 (hg19) VCF-style: chr3-52393977-C-T.
Other names: short protein forms Q1485*.
Identifiers: ClinVar variation 4793694 (VCV004793694.1).
Genomic context (GRCh38, chr3:52,359,961, plus strand): 5'-ACCCCATTTCTGCAGCTCAGTGATCTGGTGGCCCTTGTGCGGGGGAAGCTGTCCCGCATG[C>T]AGCGGGCAGTGCTGTCAGCGCTAATCGTCATTGAGGTCCATGCCAAGGACGTGGTGAGCA-3'